The following is an entry in ClinVar:

ClinVar aggregate classification (germline): Uncertain significance (1 of 4 stars; one submission).

Allele frequency attached by ClinVar (database versions not stated): gnomAD exomes below 0.00001.
gnomAD v4.1: 1 of 1,606,114 alleles (0.000062%); highest among the groups gnomAD compares: South Asian, 0.0011%; no homozygotes.

Submission:

Women's Health and Genetics/Laboratory Corporation of America, LabCorp
Classification: Uncertain significance. Last evaluated: 2020-04-27. Review status: criteria provided, single submitter. Criteria: LabCorp Variant Classification Summary - May 2015. Collection method: clinical testing. Allele origin: germline.
Comment: Variant summary: FKRP c.155T>A (p.Leu52Gln) results in a non-conservative amino acid change in the encoded protein sequence. Five of five in-silico tools predict a damaging effect of the variant on protein function. The variant was absent in 232940 control chromosomes. The available data on variant occurrences in the general population are insufficient to allow any conclusion about variant significance. To our knowledge, no occurrence of c.155T>A in individuals affected with Limb-girdle Muscular Dystrophy, Autosomal Recessive and no experimental evidence demonstrating its impact on protein function have been reported. No clinical diagnostic laboratories have submitted clinical-significance assessments for this variant to ClinVar after 2014. Based on the evidence outlined above, the variant was classified as uncertain significance.

NM_024301.5(FKRP):c.155T>A (p.Leu52Gln)

Gene: FKRP (fukutin related protein; plus strand). Cytogenetic location: 19q13.32.
Variant type: single nucleotide variant.
Coding change: c.155T>A on transcript NM_024301.5 (MANE Select); coding-DNA position 155, T replaced by A.
Protein change: p.Leu52Gln; replaces leucine 52 with glutamine.
Molecular consequence: missense variant.
Genome position (GRCh38, 1-based): chr19:46,755,605, T>A. VCF-style: chr19-46755605-T-A. GRCh37 (hg19) VCF-style: chr19-47258862-T-A.
Other names: c.155T>A, p.Leu52Gln (NM_001039885.3); short protein forms L52Q.
Identifiers: ClinVar variation 917824 (VCV000917824.1), dbSNP rs2054892463, ClinGen allele CA406494767.
Genomic context (GRCh38, chr19:46,755,605, plus strand): 5'-GGAATTCCCGGGCCCGGGGGCCCCGTCGTGCCTCTGCTGCCGGCCCCCGTGTCACCGTCC[T>A]GGTGCGGGAGTTCGAGGCATTTGACAACGCGGTGCCCGAGCTGGTAGACTCCTTCCTGCA-3'
Protein context (NP_077277.1, residues 42-62): ASAAGPRVTV[Leu52Gln]VREFEAFDNA